The following is an entry in ClinVar:

NC_000012.11:g.(?_2795312)_(2800365_?)dup

Gene: CACNA1C (calcium voltage-gated channel subunit alpha1 C; plus strand). Cytogenetic location: 12p13.33.
Variant type: Duplication.
Identifiers: ClinVar variation 2423373 (VCV002423373.5).

ClinVar aggregate classification (germline): Uncertain significance (1 of 4 stars; one submission).

Conditions:
Long QT syndrome (LQTS). Identifiers: MedGen C0023976, MeSH D008133, MONDO:0002442. Disease mechanism: loss of function. Inheritance: Various modes of inheritance.

Submission:

Labcorp Genetics (formerly Invitae), Labcorp
Classification: Uncertain significance for Long QT syndrome. Last evaluated: 2023-12-06. Review status: criteria provided, single submitter. Criteria: Invitae Variant Classification Sherloc (09022015). Collection method: clinical testing. Allele origin: germline.
Comment: This variant results in a copy number gain of the genomic region encompassing exon(s) 45-47 of the CACNA1C gene. This region includes the termination codon of the gene. This copy number gain extends beyond the assayed region for this gene and therefore may encompass additional genes. As the precise location of this event is unknown, it may be in tandem or it may be located elsewhere in the genome. This variant has not been reported in the literature in individuals affected with CACNA1C-related conditions. In summary, the available evidence is currently insufficient to determine the role of this variant in disease. Therefore, it has been classified as a Variant of Uncertain Significance.